The following is an entry in ClinVar:

ClinVar aggregate classification (germline): Uncertain significance (1 of 4 stars; one submission).

gnomAD v4.1: 9 of 1,613,994 alleles (0.00056%); highest among the groups gnomAD compares: African/African-American, 0.008%; no homozygotes.

Submission:

CeGaT Center for Human Genetics Tuebingen
Classification: Uncertain significance. Last evaluated: 2025-07-01. Review status: criteria provided, single submitter. Criteria: CeGaT Center For Human Genetics Tuebingen Variant Classification Criteria Version 2. Collection method: clinical testing. Allele origin: germline. Affected: yes. Observed: 1 variant allele.
Comment: ASH1L: PM2, BP4

NM_018489.3(ASH1L):c.4753A>G (p.Ser1585Gly)

Gene: ASH1L (ASH1 like histone lysine methyltransferase; minus strand). Cytogenetic location: 1q22.
Variant type: single nucleotide variant.
Coding change: c.4753A>G on transcript NM_018489.3 (MANE Select); coding-DNA position 4753, A replaced by G.
Protein change: p.Ser1585Gly; replaces serine 1585 with glycine.
Molecular consequence: missense variant.
Genome position (GRCh38, 1-based): chr1:155,478,117, T>C on the plus strand (A>G on the coding strand, the complement: ASH1L is on the minus strand). VCF-style: chr1-155478117-T-C. GRCh37 (hg19) VCF-style: chr1-155447908-T-C.
Other names: c.4753A>G, p.Ser1585Gly (NM_001366177.2); short protein forms S1585G.
Identifiers: ClinVar variation 4085129 (VCV004085129.8).